The following is an entry in ClinVar:

ClinVar aggregate classification (germline): Uncertain significance (1 of 4 stars; one submission).

Submission:

Dasa
Classification: Uncertain significance. Last evaluated: 2024-09-23. Review status: criteria provided, single submitter. Criteria: DASA Assertion Criteria. Collection method: clinical testing. Allele origin: germline.
Comment: NM_000719.7(CACNA1C):c.3655A>G (p.Thr1219Ala) is a missense variant that results in the substitution of threonine with alanine. This variant is absent from population databases. Computational prediction algorithms are consistent with a deleterious effect. The currently available literature and clinical evidence are not sufficient to establish a definitive association between this variant and the reported condition. Therefore, this variant is classified as a variant of uncertain significance.

NM_000719.7(CACNA1C):c.3655A>G (p.Thr1219Ala)

Gene: CACNA1C (calcium voltage-gated channel subunit alpha1 C; plus strand). Cytogenetic location: 12p13.33.
Variant type: single nucleotide variant.
Coding change: c.3655A>G on transcript NM_000719.7 (MANE Select); coding-DNA position 3655, A replaced by G.
Protein change: p.Thr1219Ala; replaces threonine 1219 with alanine.
Molecular consequence: missense variant.
Genome position (GRCh38, 1-based): chr12:2,610,637, A>G. VCF-style: chr12-2610637-A-G. GRCh37 (hg19) VCF-style: chr12-2719803-A-G.
Other names: c.3715A>G, p.Thr1239Ala (NM_001129827.2, NM_199460.4, NM_001129832.2); c.3655A>G, p.Thr1219Ala (NM_001129829.2, NM_001129830.3, NM_001167625.2 and 15 more transcripts); c.3646A>G, p.Thr1216Ala (NM_001129844.2); short protein forms T1216A, T1219A, T1239A.
Identifiers: ClinVar variation 4882824 (VCV004882824.2).